The following is an entry in ClinVar:

ClinVar aggregate classification (germline): Uncertain significance (1 of 4 stars; one submission).

Allele frequency attached by ClinVar (database versions not stated): ExAC 0.00002; gnomAD exomes 0.00002 and 0.00004; gnomAD 0.00003 and 0.00004; TOPMed 0.00003.
gnomAD v4.1: 36 of 1,590,066 alleles (0.0023%); highest among the groups gnomAD compares: Admixed American, 0.024%; 1 homozygote.

Submission:

Labcorp Genetics (formerly Invitae), Labcorp
Classification: Uncertain significance. Last evaluated: 2021-10-14. Review status: criteria provided, single submitter. Criteria: Invitae Variant Classification Sherloc (09022015). Collection method: clinical testing. Allele origin: germline.
Comment: This sequence change replaces glycine with arginine at codon 1165 of the COL27A1 protein (p.Gly1165Arg). The glycine residue is highly conserved and there is a moderate physicochemical difference between glycine and arginine. This variant is present in population databases (rs746974047, ExAC 0.009%). This variant has not been reported in the literature in individuals with COL27A1-related disease. Algorithms developed to predict the effect of missense changes on protein structure and function (SIFT, PolyPhen-2, Align-GVGD) all suggest that this variant is likely to be disruptive, but these predictions have not been confirmed by published functional studies and their clinical significance is uncertain. In summary, the available evidence is currently insufficient to determine the role of this variant in disease. Therefore, it has been classified as a Variant of Uncertain Significance.

NM_032888.4(COL27A1):c.3493G>A (p.Gly1165Arg)

Gene: COL27A1 (collagen type XXVII alpha 1 chain; plus strand). Cytogenetic location: 9q32.
Variant type: single nucleotide variant.
Coding change: c.3493G>A on transcript NM_032888.4 (MANE Select); coding-DNA position 3493, G replaced by A.
Protein change: p.Gly1165Arg; replaces glycine 1165 with arginine.
Molecular consequence: missense variant.
Genome position (GRCh38, 1-based): chr9:114,267,549, G>A. VCF-style: chr9-114267549-G-A. GRCh37 (hg19) VCF-style: chr9-117029829-G-A.
Other names: short protein forms G1165R.
Identifiers: ClinVar variation 1483451 (VCV001483451.3), dbSNP rs746974047, ClinGen allele CA5202504.